The following is an entry in ClinVar:

NM_206926.2(SELENON):c.1107dup (p.Lys370fs)

Gene: SELENON (selenoprotein N; plus strand). Cytogenetic location: 1p36.11.
Variant type: Duplication.
Coding change: c.1107dup on transcript NM_206926.2 (MANE Select); coding-DNA position 1107, one base duplicated (C; older notation c.1107dupC).
Protein change: p.Lys370fs; shifts the reading frame from lysine 370.
Molecular consequence: frameshift variant.
Genome position (GRCh38, 1-based): chr1:25,811,807, C duplicated. VCF-style (leftmost placement, unchanged base first): chr1-25811806-T-TC. GRCh37 (hg19) VCF-style: chr1-26138297-T-TC.
Other names: NM_020451.3(SELENON):c.1209dup; p.Lys404fs; c.1209dup, p.Lys404fs (NM_020451.3); short protein forms K370fs, K404fs.
Identifiers: ClinVar variation 835943 (VCV000835943.10), dbSNP rs745715484, ClinGen allele CA696790.

ClinVar aggregate classification (germline): Pathogenic/Likely pathogenic. Review status: criteria provided, multiple submitters, no conflicts (2 of 4 stars). 2 submissions from 2 submitters: Pathogenic (1); Likely pathogenic (1). Last evaluated 2023-01-24.

Conditions:
Eichsfeld type congenital muscular dystrophy (CMYO3). Also called: MYOPATHY, SEPN1-RELATED; SELENON-related myopathy; Congenital myopathy 3 with rigid spine; Rigid spine muscular dystrophy 1. Identifiers: MedGen C0410180, MONDO:0100100, OMIM 602771.

Allele frequency attached by ClinVar (database versions not stated): ExAC below 0.00001; gnomAD exomes below 0.00001 and 0.00001.

Submissions (2):

Broad Center for Mendelian Genomics, Broad Institute of MIT and Harvard
Classification: Likely pathogenic. Last evaluated: 2023-01-24. Review status: criteria provided, single submitter. Criteria: ACMG Guidelines, 2015. Collection method: curation. Allele origin: germline. Inheritance: Autosomal recessive inheritance.
Comment: The p.Lys404fs variant in SELENON has been reported in 1 individual in the compound heterozygous state with SELENON-RM (PMID: 27066551) and has been identified in 0.02% (3/14846) of East Asian chromosomes by the Genome Aggregation Database (gnomAD; dbSNP ID: rs745715484). Although this variant has been seen in the general population in a heterozygous state, its frequency is not high enough to rule out a pathogenic role. This variant has also been reported in ClinVar (Variation ID#: 835943) and has been interpreted as pathogenic by Invitae. This variant is predicted to cause a frameshift, which alters the protein‚Äôs amino acid sequence beginning at position 404 and leads to a premature termination codon 32 amino acids downstream. This alteration is then predicted to lead to a truncated or absent protein. Loss of function of the SELENON gene is an established disease mechanism in autosomal recessive SELENON-RM. In summary, although additional studies are required to fully establish its clinical significance, this variant is likely pathogenic for autosomal recessive SELENON-RM. ACMG/AMP Criteria applied: PVS1, PM3 (Richards 2015).

Labcorp Genetics (formerly Invitae), Labcorp
Classification: Pathogenic for Eichsfeld type congenital muscular dystrophy. Last evaluated: 2019-08-28. Review status: criteria provided, single submitter. Criteria: Invitae Variant Classification Sherloc (09022015). Collection method: clinical testing. Allele origin: germline.
Comment: For these reasons, this variant has been classified as Pathogenic. Loss-of-function variants in SELENON are known to be pathogenic (PMID: 21131290, 21670436). This variant has been observed in individual(s) with multiminicore disease (PMID: 27066551). In at least one individual the data is consistent with the variant being in trans (on the opposite chromosome) from a pathogenic variant. The frequency data for this variant in the population databases is considered unreliable, as metrics indicate poor data quality at this position in the ExAC database. This sequence change creates a premature translational stop signal (p.Lys404Glnfs*32) in the SELENON gene. It is expected to result in an absent or disrupted protein product.

Literature cited by the submitters: PubMed 21131290 (cited by Labcorp Genetics (formerly Invitae), Labcorp); PubMed 21670436 (cited by Labcorp Genetics (formerly Invitae), Labcorp); PubMed 27066551 (cited by Labcorp Genetics (formerly Invitae), Labcorp).